The following is an entry in ClinVar:

NM_001199138.2(NLRC4):c.419G>A (p.Trp140Ter)

Gene: NLRC4 (NLR family CARD domain containing 4; minus strand). Cytogenetic location: 2p22.3.
Variant type: single nucleotide variant.
Coding change: c.419G>A on transcript NM_001199138.2 (MANE Select); coding-DNA position 419, G replaced by A.
Protein change: p.Trp140Ter; replaces tryptophan 140 with a stop codon.
Molecular consequence: nonsense. On other transcripts: intron variant (1).
Genome position (GRCh38, 1-based): chr2:32,251,445, C>T on the plus strand (G>A on the coding strand, the complement: NLRC4 is on the minus strand). VCF-style: chr2-32251445-C-T. GRCh37 (hg19) VCF-style: chr2-32476514-C-T.
Other names: c.419G>A, p.Trp140Ter (NM_001199139.2, NM_021209.5); c.262+974G>A (NM_001302504.1); short protein forms W140*.
Identifiers: ClinVar variation 1021166 (VCV001021166.7), dbSNP rs775526806, ClinGen allele CA1602146.

ClinVar aggregate classification (germline): Uncertain significance (1 of 4 stars; one submission).

Conditions:
Familial cold autoinflammatory syndrome 4 (FCAS4). Identifiers: Orphanet 47045, Orphanet 576349, MedGen C4015276, MONDO:0014498, OMIM 616115.
Periodic fever-infantile enterocolitis-autoinflammatory syndrome. Also called: Autoinflammation with infantile enterocolitis. Identifiers: Orphanet 436166, MedGen C4015067, MONDO:0014472, OMIM 616050.

Allele frequency attached by ClinVar (database versions not stated): gnomAD exomes 0.00001 and below 0.00001; gnomAD 0.00001; ExAC 0.00001.

Submission:

Labcorp Genetics (formerly Invitae), Labcorp
Classification: Uncertain significance for Periodic fever-infantile enterocolitis-autoinflammatory syndrome; Familial cold autoinflammatory syndrome 4. Last evaluated: 2020-02-04. Review status: criteria provided, single submitter. Criteria: Invitae Variant Classification Sherloc (09022015). Collection method: clinical testing. Allele origin: germline.
Comment: In summary, the available evidence is currently insufficient to determine the role of this variant in disease. Therefore, it has been classified as a Variant of Uncertain Significance. The current clinical and genetic evidence is not sufficient to establish whether loss-of-function variants in NLRC4 cause disease. Algorithms developed to predict the effect of sequence changes on RNA splicing suggest that this variant may create or strengthen a splice site, but this prediction has not been confirmed by published transcriptional studies. This variant has not been reported in the literature in individuals with NLRC4-related conditions. This variant is present in population databases (rs775526806, ExAC 0.009%). This sequence change creates a premature translational stop signal (p.Trp140*) in the NLRC4 gene. It is expected to result in an absent or disrupted protein product.